The following is an entry in ClinVar:

GRCh38/hg38 15q11.2(chr15:22583760-23123885)

Genes: CYFIP1 (cytoplasmic FMR1 interacting protein 1; minus strand), NIPA1 (NIPA magnesium transporter 1; plus strand), NIPA2 (NIPA magnesium transporter 2; plus strand), TUBGCP5 (tubulin gamma complex component 5; minus strand), LOC112272575 (Sharpr-MPRA regulatory region 8478; plus strand) and 15 more. Cytogenetic location: 15q11.2.
Variant type: copy number loss.
Identifiers: ClinVar variation 3235914 (VCV003235914.1).

ClinVar aggregate classification (germline): Pathogenic (1 of 4 stars; one submission).

Conditions:
Chromosome 15q11.2 deletion syndrome. Identifiers: Orphanet 261183, MedGen C3180937, MONDO:0014294, OMIM 615656.

Submission:

New York Genome Center
Classification: Pathogenic for Chromosome 15q11.2 deletion syndrome. Last evaluated: 2021-08-12. Review status: criteria provided, single submitter. Criteria: NYGC Assertion Criteria 2020. Collection method: clinical testing. Allele origin: de novo. Observed: 1 variant allele. Study: PrenatalSEQ.
Comment: This proximal 15q11.2 region harbors a cluster of low copy repeats that lead to recurrent copy number changes in this region. Deletions in this region are associated with 15q11.2 BP1-BP2 recurrent deletion syndrome. The 15q11.2 BP1-BP2 microdeletion is associated with both phenotypic variability as well as reduced penetrance, and while it is enriched in patient populations (PMID:25689425, 28387067), it is also often inherited from asymptomatic parents (PMID:21841781, 23258348, 25689425).

Literature cited by the submitters: PubMed 25689425; PubMed 28387067.